The following is an entry in ClinVar:

ClinVar aggregate classification (germline): Uncertain significance. Review status: criteria provided, multiple submitters, no conflicts (2 of 4 stars). 3 submissions from 3 submitters: Uncertain significance (3). Last evaluated 2025-06-03.

Conditions:
Inborn genetic diseases. Identifiers: MedGen C0950123, MeSH D030342.
ABCC2-related disorder. Also called: ABCC2-related condition.

Allele frequency attached by ClinVar (database versions not stated): gnomAD exomes below 0.00001 and 0.00002; ExAC 0.00001; gnomAD 0.00009; TOPMed 0.00015.

Submissions (3):

PreventionGenetics, part of Exact Sciences
Classification: Uncertain significance for ABCC2-related condition. Last evaluated: 2025-06-03. Review status: criteria provided, single submitter. Criteria: ACMG Guidelines, 2015. Collection method: clinical testing. Allele origin: germline.
Comment: The ABCC2 c.718A>G variant is predicted to result in the amino acid substitution p.Ser240Gly. To our knowledge, this variant has not been reported in the literature. This variant is reported in 0.0029% of alleles in individuals of Latino descent in gnomAD. At this time, the clinical significance of this variant is uncertain due to the absence of conclusive functional and genetic evidence.

Ambry Genetics
Classification: Uncertain significance for Inborn genetic diseases. Last evaluated: 2023-12-14. Review status: criteria provided, single submitter. Criteria: Ambry Variant Classification Scheme 2023. Collection method: clinical testing. Allele origin: germline.

Eurofins Ntd Llc (ga)
Classification: Uncertain significance. Last evaluated: 2016-08-02. Review status: criteria provided, single submitter. Criteria: EGL Classification Definitions 2015. Collection method: clinical testing. Allele origin: germline. Observed: 1 variant allele, 1 heterozygote.

NM_000392.5(ABCC2):c.718A>G (p.Ser240Gly)

Gene: ABCC2 (ATP binding cassette subfamily C member 2; plus strand). Cytogenetic location: 10q24.2.
Variant type: single nucleotide variant.
Coding change: c.718A>G on transcript NM_000392.5 (MANE Select); coding-DNA position 718, A replaced by G.
Protein change: p.Ser240Gly; replaces serine 240 with glycine.
Molecular consequence: missense variant.
Genome position (GRCh38, 1-based): chr10:99,797,182, A>G. VCF-style: chr10-99797182-A-G. GRCh37 (hg19) VCF-style: chr10-101556939-A-G.
Other names: c.718A>G (NM_000392.3, NM_000392.4); c.718A>G, p.Ser240Gly (LRG_1208t1); short protein forms S240G.
Identifiers: ClinVar variation 289976 (VCV000289976.8), dbSNP rs750440697, ClinGen allele CA5642979.